The following is an entry in ClinVar:

NM_020937.4(FANCM):c.5278A>C (p.Thr1760Pro)

Gene: FANCM (FA complementation group M; plus strand). Cytogenetic location: 14q21.2.
Variant type: single nucleotide variant.
Coding change: c.5278A>C on transcript NM_020937.4 (MANE Select); coding-DNA position 5278, A replaced by C.
Protein change: p.Thr1760Pro; replaces threonine 1760 with proline.
Molecular consequence: missense variant.
Genome position (GRCh38, 1-based): chr14:45,189,300, A>C. VCF-style: chr14-45189300-A-C. GRCh37 (hg19) VCF-style: chr14-45658503-A-C.
Other names: c.5200A>C, p.Thr1734Pro (NM_001308133.2); short protein forms T1760P, T1734P.
Identifiers: ClinVar variation 3725758 (VCV003725758.2).

ClinVar aggregate classification (germline): Uncertain significance (1 of 4 stars; one submission).

Conditions:
Fanconi anemia (FA). Also called: Fanconi's anemia. Identifiers: Orphanet 84, MedGen C0015625, MeSH D005199, MONDO:0019391.

Submission:

Labcorp Genetics (formerly Invitae), Labcorp
Classification: Uncertain significance for Fanconi anemia. Last evaluated: 2024-11-21. Review status: criteria provided, single submitter. Criteria: Invitae Variant Classification Sherloc (09022015). Collection method: clinical testing. Allele origin: germline.
Comment: This sequence change replaces threonine, which is neutral and polar, with proline, which is neutral and non-polar, at codon 1760 of the FANCM protein (p.Thr1760Pro). This variant is not present in population databases (gnomAD no frequency). This variant has not been reported in the literature in individuals affected with FANCM-related conditions. An algorithm developed to predict the effect of missense changes on protein structure and function (PolyPhen-2) suggests that this variant is likely to be tolerated. In summary, the available evidence is currently insufficient to determine the role of this variant in disease. Therefore, it has been classified as a Variant of Uncertain Significance.